The following is an entry in ClinVar:

ClinVar aggregate classification (germline): Likely benign. Review status: criteria provided, multiple submitters, no conflicts (2 of 4 stars). 3 submissions from 3 submitters: Likely benign (3). Last evaluated 2024-06-20.

Conditions:
Ehlers-Danlos syndrome, type 4 (EDSVASC). Also called: Ehlers-Danlos Syndrome Type IV; Ehlers-Danlos syndrome vascular type; Ehlers Danlos syndrome, ecchymotic type; Ehlers Danlos syndrome, arterial type; Ehlers Danlos syndrome, Sack-Barabas type. Identifiers: Orphanet 286, MedGen C0268338, MONDO:0017314, OMIM 130050.
Familial thoracic aortic aneurysm and aortic dissection (TAAD). Also called: Thoracic aortic aneurysms and dissections. Identifiers: Orphanet 91387, MedGen C4707243, MONDO:0019625.

Allele frequency attached by ClinVar (database versions not stated): TOPMed below 0.00001; gnomAD exomes 0.00001 and 0.00004; ExAC 0.00006.
gnomAD v4.1: 16 of 1,613,820 alleles (0.00099%); highest among the groups gnomAD compares: South Asian, 0.0011%; no homozygotes.

Submissions (3):

Labcorp Genetics (formerly Invitae), Labcorp
Classification: Likely benign for Ehlers-Danlos syndrome, type 4. Last evaluated: 2024-06-20. Review status: criteria provided, single submitter. Criteria: Invitae Variant Classification Sherloc (09022015). Collection method: clinical testing. Allele origin: germline.

All of Us Research Program, National Institutes of Health
Classification: Likely benign for Ehlers-Danlos syndrome, type 4. Last evaluated: 2023-03-09. Review status: criteria provided, single submitter. Criteria: ACMG Guidelines, 2015. Collection method: clinical testing. Allele origin: germline. Inheritance: Autosomal dominant inheritance. Observed: 1 variant allele, 1 heterozygote.
Comment: This study involves interpretation of variants in research participants for the purpose of population health screening. Participant phenotype was not available at the time of variant classification. Additional details can be found in publication PMID: 35346344, PMCID: PMC8962531

Color Diagnostics, LLC DBA Color Health
Classification: Likely benign for Familial thoracic aortic aneurysm and aortic dissection. Last evaluated: 2020-01-14. Review status: criteria provided, single submitter. Criteria: ACMG Guidelines, 2015. Collection method: clinical testing. Allele origin: germline.

NM_000090.4(COL3A1):c.4255-14G>A

Gene: COL3A1 (collagen type III alpha 1 chain; plus strand). Cytogenetic location: 2q32.2.
Variant type: single nucleotide variant.
Coding change: c.4255-14G>A on transcript NM_000090.4 (MANE Select); 14 bases into the intron before coding-DNA position 4255, G replaced by A.
Molecular consequence: intron variant.
Genome position (GRCh38, 1-based): chr2:189,011,614, G>A. VCF-style: chr2-189011614-G-A. GRCh37 (hg19) VCF-style: chr2-189876340-G-A.
Identifiers: ClinVar variation 923037 (VCV000923037.5), dbSNP rs758216726, ClinGen allele CA076527.